The following is an entry in ClinVar:

NM_152268.4(PARS2):c.1157C>T (p.Ala386Val)

Gene: PARS2 (prolyl-tRNA synthetase 2, mitochondrial; minus strand). Cytogenetic location: 1p32.3.
Variant type: single nucleotide variant.
Coding change: c.1157C>T on transcript NM_152268.4 (MANE Select); coding-DNA position 1157, C replaced by T.
Protein change: p.Ala386Val; replaces alanine 386 with valine.
Molecular consequence: missense variant.
Genome position (GRCh38, 1-based): chr1:54,758,005, G>A on the plus strand (C>T on the coding strand, the complement: PARS2 is on the minus strand). VCF-style: chr1-54758005-G-A. GRCh37 (hg19) VCF-style: chr1-55223678-G-A.
Other names: short protein forms A386V.
Identifiers: ClinVar variation 1941853 (VCV001941853.5), dbSNP rs1406957366, ClinGen allele CA340458282.

ClinVar aggregate classification (germline): Uncertain significance (1 of 4 stars; one submission).

Allele frequency attached by ClinVar (database versions not stated): gnomAD exomes below 0.00001; TOPMed 0.00001.

Submission:

Labcorp Genetics (formerly Invitae), Labcorp
Classification: Uncertain significance. Last evaluated: 2022-08-17. Review status: criteria provided, single submitter. Criteria: Invitae Variant Classification Sherloc (09022015). Collection method: clinical testing. Allele origin: germline.
Comment: This variant has not been reported in the literature in individuals affected with PARS2-related conditions. This variant is not present in population databases (gnomAD no frequency). This sequence change replaces alanine, which is neutral and non-polar, with valine, which is neutral and non-polar, at codon 386 of the PARS2 protein (p.Ala386Val). Algorithms developed to predict the effect of missense changes on protein structure and function are either unavailable or do not agree on the potential impact of this missense change (SIFT: "Tolerated"; PolyPhen-2: "Possibly Damaging"; Align-GVGD: "Class C0"). In summary, the available evidence is currently insufficient to determine the role of this variant in disease. Therefore, it has been classified as a Variant of Uncertain Significance.